The following is an entry in ClinVar:

ClinVar aggregate classification (germline): Uncertain significance. Review status: criteria provided, multiple submitters, no conflicts (2 of 4 stars). 4 submissions from 3 submitters: Uncertain significance (4). Last evaluated 2023-02-08.

Conditions:
Spinocerebellar ataxia, autosomal recessive, with axonal neuropathy 2 (SCAN2). Also called: Ataxia with Oculomotor Apraxia; Ataxia with Oculomotor Apraxia Type 2; Ataxia-ocular apraxia-2; ATAXIA-OCULOMOTOR APRAXIA 2. Identifiers: Orphanet 64753, MedGen C1853761, MONDO:0018996, OMIM 606002.
Amyotrophic lateral sclerosis type 4 (ALS4). Also called: NEURONOPATHY, DISTAL HEREDITARY MOTOR, WITH PYRAMIDAL FEATURES; AMYOTROPHIC LATERAL SCLEROSIS 4, JUVENILE. Identifiers: Orphanet 357043, MedGen C1865409, MONDO:0011223, OMIM 602433.

Submissions (4):

Genome-Nilou Lab
Classification: Uncertain significance for Spinocerebellar ataxia, autosomal recessive, with axonal neuropathy 2. Last evaluated: 2023-02-08. Review status: criteria provided, single submitter. Criteria: ACMG Guidelines, 2015. Collection method: clinical testing. Allele origin: germline.

Genome-Nilou Lab
Classification: Uncertain significance for Amyotrophic lateral sclerosis type 4. Last evaluated: 2023-02-08. Review status: criteria provided, single submitter. Criteria: ACMG Guidelines, 2015. Collection method: clinical testing. Allele origin: germline.

Labcorp Genetics (formerly Invitae), Labcorp
Classification: Uncertain significance for Amyotrophic lateral sclerosis type 4; Spinocerebellar ataxia, autosomal recessive, with axonal neuropathy 2. Last evaluated: 2019-12-15. Review status: criteria provided, single submitter. Criteria: Invitae Variant Classification Sherloc (09022015). Collection method: clinical testing. Allele origin: germline.
Comment: In summary, the available evidence is currently insufficient to determine the role of this variant in disease. Therefore, it has been classified as a Variant of Uncertain Significance. Algorithms developed to predict the effect of missense changes on protein structure and function output the following: SIFT: "Tolerated"; PolyPhen-2: "Benign"; Align-GVGD: "Class C0". The serine amino acid residue is found in multiple mammalian species, suggesting that this missense change does not adversely affect protein function. These predictions have not been confirmed by published functional studies and their clinical significance is uncertain. This variant has not been reported in the literature in individuals with SETX-related conditions. This variant is not present in population databases (ExAC no frequency). This sequence change replaces leucine with serine at codon 1439 of the SETX protein (p.Leu1439Ser). The leucine residue is weakly conserved and there is a large physicochemical difference between leucine and serine.

Athena Diagnostics
Classification: Uncertain significance. Last evaluated: 2018-10-11. Review status: criteria provided, single submitter. Criteria: Athena Diagnostics Criteria. Collection method: clinical testing. Allele origin: germline.

NM_015046.7(SETX):c.4316T>C (p.Leu1439Ser)

Gene: SETX (senataxin; minus strand). Cytogenetic location: 9q34.13.
Variant type: single nucleotide variant.
Coding change: c.4316T>C on transcript NM_015046.7 (MANE Select); coding-DNA position 4316, T replaced by C.
Protein change: p.Leu1439Ser; replaces leucine 1439 with serine.
Molecular consequence: missense variant.
Genome position (GRCh38, 1-based): chr9:132,327,282, A>G on the plus strand (T>C on the coding strand, the complement: SETX is on the minus strand). VCF-style: chr9-132327282-A-G. GRCh37 (hg19) VCF-style: chr9-135202669-A-G.
Other names: c.4316T>C, p.Leu1439Ser (NM_001351527.2, NM_001351528.2); short protein forms L1439S.
Identifiers: ClinVar variation 805417 (VCV000805417.14), dbSNP rs1589737441, ClinGen allele CA375326558.